The following is an entry in ClinVar:

NM_000059.4(BRCA2):c.7806-3C>G

Gene: BRCA2 (BRCA2 DNA repair associated; plus strand). Cytogenetic location: 13q13.1.
Variant type: single nucleotide variant.
Coding change: c.7806-3C>G on transcript NM_000059.4 (MANE Select); 3 bases into the intron before coding-DNA position 7806, C replaced by G.
Molecular consequence: intron variant.
Genome position (GRCh38, 1-based): chr13:32,362,520, C>G. VCF-style: chr13-32362520-C-G. GRCh37 (hg19) VCF-style: chr13-32936657-C-G.
Identifiers: ClinVar variation 216259 (VCV000216259.13), dbSNP rs863224598, ClinGen allele CA336639.

ClinVar aggregate classification (germline): Uncertain significance. Review status: criteria provided, multiple submitters, no conflicts (2 of 4 stars). 4 submissions from 4 submitters: Uncertain significance (3). 1 of the submissions does not count toward it. Last evaluated 2025-06-17.

Conditions:
Hereditary cancer-predisposing syndrome. Also called: Tumor predisposition; Hereditary Cancer Syndrome; Neoplastic Syndromes, Hereditary; Hereditary neoplastic syndrome. Identifiers: Orphanet 140162, MedGen C0027672, MeSH D009386, MONDO:0015356.
Hereditary breast ovarian cancer syndrome. Also called: Hereditary breast and/or ovarian cancer syndrome; BRCA1- and BRCA2-Associated Hereditary Breast and Ovarian Cancer; Hereditary breast and ovarian cancer; Hereditary breast and ovarian cancer syndrome (HBOC); Breast and ovarian cancer; Hereditary breast and ovarian cancer syndrome. Identifiers: Orphanet 145, MedGen C0677776, MeSH D061325, MONDO:0003582. Disease mechanism: loss of function.
Breast-ovarian cancer, familial, susceptibility to, 2 (BROVCA2). Also called: BRCA2 Hereditary Breast and Ovarian Cancer. Identifiers: Orphanet 145, MedGen C2675520, MONDO:0012933, OMIM 612555. Disease mechanism: loss of function.
Familial cancer of breast. Also called: Hereditary breast cancer; BREAST CANCER, FAMILIAL; hereditary breast carcinoma. Identifiers: Orphanet 227535, MedGen C0346153, MONDO:0016419, OMIM 114480. Disease mechanism: loss of function.

Submissions (4):

Ambry Genetics
Classification: Uncertain significance for Hereditary cancer-predisposing syndrome. Last evaluated: 2025-06-17. Review status: criteria provided, single submitter. Criteria: Ambry Variant Classification Scheme 2023. Collection method: clinical testing. Allele origin: germline.
Comment: The c.7806-3C>G intronic variant results from a C to G substitution 3 nucleotides upstream from coding exon 16 in the BRCA2 gene. A saturation genome editing-based study using a haploid cell-survival assay demonstrates that this nucleotide substitution is non-functional (Huang H et al. Nature. 2025 Feb;638(8050):528-537).This nucleotide position is well conserved in available vertebrate species. In silico splice site analysis predicts that this alteration will weaken the native splice acceptor site. RNA studies have demonstrated that this alteration results in a splice defect; the clinical impact of this abnormal splicing is unknown at this time (Ambry internal data). Since supporting evidence is limited at this time, the clinical significance of this alteration remains unclear.

Labcorp Genetics (formerly Invitae), Labcorp
Classification: Uncertain significance for Hereditary breast ovarian cancer syndrome. Last evaluated: 2025-06-03. Review status: criteria provided, single submitter. Criteria: Invitae Variant Classification Sherloc (09022015). Collection method: clinical testing. Allele origin: germline.
Comment: This sequence change falls in intron 16 of the BRCA2 gene. It does not directly change the encoded amino acid sequence of the BRCA2 protein. It affects a nucleotide within the consensus splice site. This variant is not present in population databases (gnomAD no frequency). This variant has not been reported in the literature in individuals affected with BRCA2-related conditions. ClinVar contains an entry for this variant (Variation ID: 216259). Variants that disrupt the consensus splice site are a relatively common cause of aberrant splicing (PMID: 17576681, 9536098). Studies have shown that this variant is associated with inconclusive levels of altered splicing (internal data). In summary, the available evidence is currently insufficient to determine the role of this variant in disease. Therefore, it has been classified as a Variant of Uncertain Significance.

Baylor Genetics
Classification: Uncertain significance for Familial cancer of breast. Last evaluated: 2024-03-12. Review status: criteria provided, single submitter. Criteria: ACMG Guidelines, 2015. Collection method: clinical testing. Allele origin: unknown.

Counsyl
Classification: Uncertain significance for Breast-ovarian cancer, familial, susceptibility to, 2. Last evaluated: 2016-05-10. Review status: no assertion criteria provided. Collection method: clinical testing. Allele origin: unknown. Not counted in ClinVar's aggregate classification.

Literature cited by the submitters: PubMed 39779857 (cited by Ambry Genetics); PubMed 17576681 (cited by Labcorp Genetics (formerly Invitae), Labcorp); PubMed 9536098 (cited by Labcorp Genetics (formerly Invitae), Labcorp).